The following is an entry in ClinVar:

ClinVar aggregate classification (germline): Uncertain significance (1 of 4 stars; one submission).

gnomAD v4.1: 13 of 1,608,352 alleles (0.00081%); highest among the groups gnomAD compares: African/African-American, 0.0013%; no homozygotes.

Submission:

Ambry Genetics
Classification: Uncertain significance. Last evaluated: 2025-06-01. Review status: criteria provided, single submitter. Criteria: Ambry Variant Classification Scheme 2023. Collection method: clinical testing. Allele origin: germline.
Comment: The p.R146Q variant (also known as c.437G>A), located in coding exon 3 of the ATRIP gene, results from a G to A substitution at nucleotide position 437. The arginine at codon 146 is replaced by glutamine, an amino acid with highly similar properties. This amino acid position is conserved. In addition, this alteration is predicted to be deleterious by in silico analysis. Based on the available evidence, the clinical significance of this variant remains unclear.

NM_130384.3(ATRIP):c.437G>A (p.Arg146Gln)

Genes: ATRIP (ATR interacting protein; plus strand), ATRIP-TREX1 (ATRIP-TREX1 readthrough; plus strand). Cytogenetic location: 3p21.31.
Variant type: single nucleotide variant.
Coding change: c.437G>A on transcript NM_130384.3 (MANE Select); coding-DNA position 437, G replaced by A.
Protein change: p.Arg146Gln; replaces arginine 146 with glutamine.
Molecular consequence: missense variant. On other transcripts: non-coding transcript variant (1).
Genome position (GRCh38, 1-based): chr3:48,451,784, G>A. VCF-style: chr3-48451784-G-A. GRCh37 (hg19) VCF-style: chr3-48493190-G-A.
Other names: c.56G>A, p.Arg19Gln (NM_001271022.2); c.158G>A, p.Arg53Gln (NM_001271023.2); c.437G>A, p.Arg146Gln (NM_032166.4); short protein forms R146Q, R19Q, R53Q.
Identifiers: ClinVar variation 3976940 (VCV003976940.1).
Genomic context (GRCh38, chr3:48,451,784, plus strand): 5'-TACAGATGAAAGTAATGGAAGAAGAAGTTCTCATTAAGAATGGAGAAATTAAAATTTTGC[G>A]AGACTCACTACATCAGACGGAATCCGTTCTAGAGGAACAGAGAAGATCACATTTTCTTCT-3'
Protein context (NP_569055.1, residues 136-156): LIKNGEIKIL[Arg146Gln]DSLHQTESVL